The following is an entry in ClinVar:

NM_031471.6(FERMT3):c.536G>A (p.Arg179Gln)

Gene: FERMT3 (FERM domain containing kindlin 3; plus strand). Cytogenetic location: 11q13.1.
Variant type: single nucleotide variant.
Coding change: c.536G>A on transcript NM_031471.6 (MANE Select); coding-DNA position 536, G replaced by A.
Protein change: p.Arg179Gln; replaces arginine 179 with glutamine.
Molecular consequence: missense variant. On other transcripts: 5 prime UTR variant (2).
Genome position (GRCh38, 1-based): chr11:64,211,296, G>A. VCF-style: chr11-64211296-G-A. GRCh37 (hg19) VCF-style: chr11-63978768-G-A.
Other names: c.536G>A, p.Arg179Gln (NM_001382361.1, NM_001382362.1, NM_001382448.1 and 1 more transcripts); c.-5G>A (NM_001382363.1, NM_001382364.1); short protein forms R179Q.
Identifiers: ClinVar variation 537720 (VCV000537720.4), dbSNP rs778967874, ClinGen allele CA6068808.

ClinVar aggregate classification (germline): Uncertain significance (1 of 4 stars; one submission).

Conditions:
Leukocyte adhesion deficiency 3. Also called: INTEGRIN ACTIVATION DEFICIENCY DISEASE; LEUKOCYTE ADHESION DEFICIENCY 1 VARIANT; Leukocyte adhesion deficiency, type III. Identifiers: Orphanet 2968, Orphanet 99844, MedGen C2748536, MONDO:0013016, OMIM 612840.

Allele frequency attached by ClinVar (database versions not stated): gnomAD exomes 0.00001; ExAC 0.00002; gnomAD 0.00003; TOPMed 0.00003.

Submission:

Labcorp Genetics (formerly Invitae), Labcorp
Classification: Uncertain significance for Leukocyte adhesion deficiency 3. Last evaluated: 2025-12-15. Review status: criteria provided, single submitter. Criteria: Invitae Variant Classification Sherloc (09022015). Collection method: clinical testing. Allele origin: germline.
Comment: This sequence change replaces arginine, which is basic and polar, with glutamine, which is neutral and polar, at codon 179 of the FERMT3 protein (p.Arg179Gln). This variant is present in population databases (rs778967874, gnomAD 0.006%). This variant has not been reported in the literature in individuals affected with FERMT3-related conditions. ClinVar contains an entry for this variant (Variation ID: 537720). Invitae Evidence Modeling of protein sequence and biophysical properties (such as structural, functional, and spatial information, amino acid conservation, physicochemical variation, residue mobility, and thermodynamic stability) indicates that this missense variant is not expected to disrupt FERMT3 protein function with a negative predictive value of 80%. Algorithms developed to predict the effect of sequence changes on RNA splicing suggest that this variant may create or strengthen a splice site. In summary, the available evidence is currently insufficient to determine the role of this variant in disease. Therefore, it has been classified as a Variant of Uncertain Significance.